The following is an entry in ClinVar:

NM_012470.4(TNPO3):c.311T>C (p.Ile104Thr)

Gene: TNPO3 (transportin 3; minus strand). Cytogenetic location: 7q32.1.
Variant type: single nucleotide variant.
Coding change: c.311T>C on transcript NM_012470.4 (MANE Select); coding-DNA position 311, T replaced by C.
Protein change: p.Ile104Thr; replaces isoleucine 104 with threonine.
Molecular consequence: missense variant. On other transcripts: non-coding transcript variant (18).
Genome position (GRCh38, 1-based): chr7:129,017,967, A>G on the plus strand (T>C on the coding strand, the complement: TNPO3 is on the minus strand). VCF-style: chr7-129017967-A-G. GRCh37 (hg19) VCF-style: chr7-128658021-A-G.
Other names: c.311T>C, p.Ile104Thr (NM_001191028.3, NM_001382216.1, NM_001382217.1 and 6 more transcripts); short protein forms I104T.
Identifiers: ClinVar variation 3677886 (VCV003677886.2).

ClinVar aggregate classification (germline): Uncertain significance (1 of 4 stars; one submission).

Conditions:
Autosomal dominant limb-girdle muscular dystrophy type 1F (LGMDD2). Also called: MUSCULAR DYSTROPHY, LIMB-GIRDLE, AUTOSOMAL DOMINANT 2; Limb-girdle muscular dystrophy, type 1F. Identifiers: Orphanet 55595, MedGen C1842062, MONDO:0012034, OMIM 608423.

Submission:

Labcorp Genetics (formerly Invitae), Labcorp
Classification: Uncertain significance for Autosomal dominant limb-girdle muscular dystrophy type 1F. Last evaluated: 2024-12-02. Review status: criteria provided, single submitter. Criteria: Invitae Variant Classification Sherloc (09022015). Collection method: clinical testing. Allele origin: germline.
Comment: This sequence change replaces isoleucine, which is neutral and non-polar, with threonine, which is neutral and polar, at codon 104 of the TNPO3 protein (p.Ile104Thr). This variant is not present in population databases (gnomAD no frequency). This variant has not been reported in the literature in individuals affected with TNPO3-related conditions. Invitae Evidence Modeling of protein sequence and biophysical properties (such as structural, functional, and spatial information, amino acid conservation, physicochemical variation, residue mobility, and thermodynamic stability) indicates that this missense variant is not expected to disrupt TNPO3 protein function with a negative predictive value of 80%. In summary, the available evidence is currently insufficient to determine the role of this variant in disease. Therefore, it has been classified as a Variant of Uncertain Significance.